The following is an entry in ClinVar:

NM_005144.5(HR):c.2692G>C (p.Val898Leu)

Gene: HR (HR lysine demethylase and nuclear receptor corepressor; minus strand). Cytogenetic location: 8p21.3.
Variant type: single nucleotide variant.
Coding change: c.2692G>C on transcript NM_005144.5 (MANE Select); coding-DNA position 2692, G replaced by C.
Protein change: p.Val898Leu; replaces valine 898 with leucine.
Molecular consequence: missense variant.
Genome position (GRCh38, 1-based): chr8:22,120,426, C>G on the plus strand (G>C on the coding strand, the complement: HR is on the minus strand). VCF-style: chr8-22120426-C-G. GRCh37 (hg19) VCF-style: chr8-21977939-C-G.
Other names: c.2692G>C, p.Val898Leu (NM_018411.4); short protein forms V898L.
Identifiers: ClinVar variation 4281863 (VCV004281863.1).

ClinVar aggregate classification (germline): Uncertain significance (1 of 4 stars; one submission).

gnomAD v4.1: 1 of 1,614,030 alleles (0.000062%); highest among the groups gnomAD compares: South Asian, 0.0011%; no homozygotes.

Submission:

GeneDx
Classification: Uncertain significance. Last evaluated: 2025-04-07. Review status: criteria provided, single submitter. Criteria: GeneDx Variant Classification Process June 2021. Collection method: clinical testing. Allele origin: germline. Affected: yes.
Comment: Not observed at significant frequency in large population cohorts (gnomAD); In silico analysis indicates that this missense variant does not alter protein structure/function; Has not been previously published as pathogenic or benign to our knowledge